The following is an entry in ClinVar:

ClinVar aggregate classification (germline): Conflicting classifications of pathogenicity. Review status: criteria provided, conflicting classifications (1 of 4 stars). 3 submissions from 3 submitters: Uncertain significance (2); Likely benign (1). Last evaluated 2025-06-12.

Conditions:
Genitopatellar syndrome (GTPTS). Also called: Genitopatellar syndrome (GPS); ABSENT PATELLAE, SCROTAL HYPOPLASIA, RENAL ANOMALIES, FACIAL DYSMORPHISM, AND MENTAL RETARDATION. Identifiers: Orphanet 85201, MedGen C1853566, MONDO:0011640, OMIM 606170.
Blepharophimosis - intellectual disability syndrome, SBBYS type (SBBYSS). Also called: Say-Barber-Biesecker-Young-Simpson variant of Ohdo Syndrome; Say-Barber-Biesecker Variant of Ohdo Syndrome; Young Simpson syndrome; Mental retardation unusual facies hypothyroidism; SBBYSS syndrome; Say-Barber-Biesecker variant of Ohdo syndrome (SBBYSS). Identifiers: Orphanet 3047, MedGen C1863557, MONDO:0011365, OMIM 603736.
Inborn genetic diseases. Identifiers: MedGen C0950123, MeSH D030342.

Allele frequency attached by ClinVar (database versions not stated): ExAC 0.00003.
gnomAD v4.1: 6 of 1,614,058 alleles (0.00037%); highest among the groups gnomAD compares: East Asian, 0.013%; no homozygotes.

Submissions (3):

Labcorp Genetics (formerly Invitae), Labcorp
Classification: Uncertain significance for Genitopatellar syndrome. Last evaluated: 2025-06-12. Review status: criteria provided, single submitter. Criteria: Invitae Variant Classification Sherloc (09022015). Collection method: clinical testing. Allele origin: germline.
Comment: This sequence change replaces proline, which is neutral and non-polar, with serine, which is neutral and polar, at codon 2020 of the KAT6B protein (p.Pro2020Ser). This variant is present in population databases (rs770958025, gnomAD 0.05%). This variant has not been reported in the literature in individuals affected with KAT6B-related conditions. ClinVar contains an entry for this variant (Variation ID: 3112774). An algorithm developed to predict the effect of missense changes on protein structure and function (PolyPhen-2) suggests that this variant is likely to be disruptive. In summary, the available evidence is currently insufficient to determine the role of this variant in disease. Therefore, it has been classified as a Variant of Uncertain Significance.

Fulgent Genetics
Classification: Uncertain significance for Blepharophimosis - intellectual disability syndrome, SBBYS type; Genitopatellar syndrome. Last evaluated: 2024-04-13. Review status: criteria provided, single submitter. Criteria: ACMG Guidelines, 2015. Collection method: clinical testing. Allele origin: germline.

Ambry Genetics
Classification: Likely benign for Inborn genetic diseases. Last evaluated: 2024-02-05. Review status: criteria provided, single submitter. Criteria: Ambry Variant Classification Scheme 2023. Collection method: clinical testing. Allele origin: germline.

NM_012330.4(KAT6B):c.6058C>T (p.Pro2020Ser)

Gene: KAT6B (lysine acetyltransferase 6B; plus strand). Cytogenetic location: 10q22.2.
Variant type: single nucleotide variant.
Coding change: c.6058C>T on transcript NM_012330.4 (MANE Select); coding-DNA position 6058, C replaced by T.
Protein change: p.Pro2020Ser; replaces proline 2020 with serine.
Molecular consequence: missense variant.
Genome position (GRCh38, 1-based): chr10:75,030,882, C>T. VCF-style: chr10-75030882-C-T. GRCh37 (hg19) VCF-style: chr10-76790640-C-T.
Other names: c.6058C>T, p.Pro2020Ser (NM_001370137.1, NM_001370136.1); c.5509C>T, p.Pro1837Ser (NM_001370138.1, NM_001256468.2); c.5182C>T, p.Pro1728Ser (NM_001370139.1, NM_001370140.1, NM_001370141.1 and 2 more transcripts); c.4993C>T, p.Pro1665Ser (NM_001370143.1, NM_001370144.1); c.5020C>T, p.Pro1674Ser (NM_001370132.1); c.4369C>T, p.Pro1457Ser (NM_001370133.1); c.3973C>T, p.Pro1325Ser (NM_001370134.1); c.3715C>T, p.Pro1239Ser (NM_001370135.1); short protein forms P1457S, P1239S, P1665S, P1728S, P1837S, P1325S, P1674S, P2020S.
Identifiers: ClinVar variation 3112774 (VCV003112774.3), dbSNP rs770958025, ClinGen allele CA5565303.